The following is an entry in ClinVar:

NM_000430.4(PAFAH1B1):c.1190C>G (p.Thr397Ser)

Gene: PAFAH1B1 (platelet activating factor acetylhydrolase 1b regulatory subunit 1; plus strand). Cytogenetic location: 17p13.3.
Variant type: single nucleotide variant.
Coding change: c.1190C>G on transcript NM_000430.4 (MANE Select); coding-DNA position 1190, C replaced by G.
Protein change: p.Thr397Ser; replaces threonine 397 with serine.
Molecular consequence: missense variant.
Genome position (GRCh38, 1-based): chr17:2,681,759, C>G. VCF-style: chr17-2681759-C-G. GRCh37 (hg19) VCF-style: chr17-2585053-C-G.
Other names: short protein forms T397S.
Identifiers: ClinVar variation 4731905 (VCV004731905.1).

ClinVar aggregate classification (germline): Uncertain significance (1 of 4 stars; one submission).

Submission:

Labcorp Genetics (formerly Invitae), Labcorp
Classification: Uncertain significance. Last evaluated: 2025-11-24. Review status: criteria provided, single submitter. Criteria: Invitae Variant Classification Sherloc (09022015). Collection method: clinical testing. Allele origin: germline.
Comment: This sequence change replaces threonine, which is neutral and polar, with serine, which is neutral and polar, at codon 397 of the PAFAH1B1 protein (p.Thr397Ser). This variant is not present in population databases (gnomAD no frequency). This variant has not been reported in the literature in individuals affected with PAFAH1B1-related conditions. An algorithm developed to predict the effect of missense changes on protein structure and function (PolyPhen-2) suggests that this variant is likely to be tolerated. In summary, the available evidence is currently insufficient to determine the role of this variant in disease. Therefore, it has been classified as a Variant of Uncertain Significance.